The following is an entry in ClinVar:

NM_001012339.3(DNAJC21):c.148C>T (p.Gln50Ter)

Gene: DNAJC21 (DnaJ heat shock protein family (Hsp40) member C21; plus strand). Cytogenetic location: 5p13.2.
Variant type: single nucleotide variant.
Coding change: c.148C>T on transcript NM_001012339.3 (MANE Select); coding-DNA position 148, C replaced by T.
Protein change: p.Gln50Ter; replaces glutamine 50 with a stop codon.
Molecular consequence: nonsense.
Genome position (GRCh38, 1-based): chr5:34,933,865, C>T. VCF-style: chr5-34933865-C-T. GRCh37 (hg19) VCF-style: chr5-34933970-C-T.
Other names: c.148C>T, p.Gln50Ter (NM_001348420.2, NM_194283.4); short protein forms Q50*.
Identifiers: ClinVar variation 1339571 (VCV001339571.9), dbSNP rs2112024354, ClinGen allele CA359411917.
Genomic context (GRCh38, chr5:34,933,865, plus strand): 5'-ACTTTAACAGATAAAAATCTGGATAATGCCGCAGAAGCAGCTGAACAATTTAAATTAATC[C>T]AAGCAGCATATGATGTGTTGAGTGACCCTCAGGAAAGAGCATGGTGAGCATCACGCTGTC-3'

ClinVar aggregate classification (germline): Pathogenic. Review status: criteria provided, single submitter (1 of 4 stars). 2 submissions from 2 submitters: Pathogenic (1). 1 of the submissions does not count toward it. Last evaluated 2022-03-04.

Conditions:
Bone marrow failure syndrome 3 (BMFS3). Identifiers: MedGen C4310744, MONDO:0014887, OMIM 617052.

Submissions (2):

Labcorp Genetics (formerly Invitae), Labcorp
Classification: Pathogenic. Last evaluated: 2022-03-04. Review status: criteria provided, single submitter. Criteria: Invitae Variant Classification Sherloc (09022015). Collection method: clinical testing. Allele origin: germline.
Comment: For these reasons, this variant has been classified as Pathogenic. This variant has not been reported in the literature in individuals affected with DNAJC21-related conditions. This variant is not present in population databases (gnomAD no frequency). This sequence change creates a premature translational stop signal (p.Gln50*) in the DNAJC21 gene. It is expected to result in an absent or disrupted protein product. Loss-of-function variants in DNAJC21 are known to be pathogenic (PMID: 27346687, 28062395).

Center of Genomic Medicine, University of Medicine and Pharmacy Victor Babes Timisoara
Classification: Pathogenic for Bone marrow failure syndrome 3. Last evaluated: 2022-02-08. Review status: no assertion criteria provided. Collection method: clinical testing. Allele origin: maternal. Inheritance: Autosomal recessive inheritance. Affected: yes. Observed: 1 compound heterozygote. Not counted in ClinVar's aggregate classification.
Comment: PVS2 Very Strong: Null variant (nonsense), in gene DNAJC21 for which loss-of-function is a known mechanism of disease, associated with Bone marrow failure syndrome 3. PM2 Strong: Using strength Strong because the position is highly conserved (phyloP100way = 7.35 is greater than 7.2). Variant not found in gnomAD exomes. Variant not found in gnomAD genomes (good gnomAD genomes coverage = 31.1). PP3 Supporting: Pathogenic computational verdict based on 5 pathogenic predictions from BayesDel_addAF, DANN, EIGEN, FATHMM-MKL and MutationTaster vs no benign predictions.

Literature cited by the submitters: PubMed 27346687 (cited by Labcorp Genetics (formerly Invitae), Labcorp); PubMed 28062395 (cited by Labcorp Genetics (formerly Invitae), Labcorp).